The following is an entry in ClinVar:

ClinVar aggregate classification (germline): Uncertain significance (1 of 4 stars; one submission).

Submission:

Labcorp Genetics (formerly Invitae), Labcorp
Classification: Uncertain significance. Last evaluated: 2024-03-11. Review status: criteria provided, single submitter. Criteria: Invitae Variant Classification Sherloc (09022015). Collection method: clinical testing. Allele origin: germline.
Comment: This sequence change replaces proline, which is neutral and non-polar, with serine, which is neutral and polar, at codon 918 of the KCNH1 protein (p.Pro918Ser). This variant is not present in population databases (gnomAD no frequency). This variant has not been reported in the literature in individuals affected with KCNH1-related conditions. Advanced modeling of protein sequence and biophysical properties (such as structural, functional, and spatial information, amino acid conservation, physicochemical variation, residue mobility, and thermodynamic stability) performed at Invitae indicates that this missense variant is not expected to disrupt KCNH1 protein function with a negative predictive value of 95%. In summary, the available evidence is currently insufficient to determine the role of this variant in disease. Therefore, it has been classified as a Variant of Uncertain Significance.

NM_172362.3(KCNH1):c.2752C>T (p.Pro918Ser)

Gene: KCNH1 (potassium voltage-gated channel subfamily H member 1; minus strand). Cytogenetic location: 1q32.2.
Variant type: single nucleotide variant.
Coding change: c.2752C>T on transcript NM_172362.3 (MANE Select); coding-DNA position 2752, C replaced by T.
Protein change: p.Pro918Ser; replaces proline 918 with serine.
Molecular consequence: missense variant.
Genome position (GRCh38, 1-based): chr1:210,683,499, G>A on the plus strand (C>T on the coding strand, the complement: KCNH1 is on the minus strand). VCF-style: chr1-210683499-G-A. GRCh37 (hg19) VCF-style: chr1-210856841-G-A.
Other names: c.2671C>T, p.Pro891Ser (NM_002238.4); short protein forms P891S, P918S.
Identifiers: ClinVar variation 2763792 (VCV002763792.3), dbSNP rs2546369191, ClinGen allele CA344870500.